The following is an entry in ClinVar:

ClinVar aggregate classification (germline): Uncertain significance. Review status: criteria provided, multiple submitters, no conflicts (2 of 4 stars). 2 submissions from 2 submitters: Uncertain significance (2). Last evaluated 2024-10-01.

Conditions:
Emery-Dreifuss muscular dystrophy 4, autosomal dominant (EDMD4). Also called: EMERY-DREIFUSS MUSCULAR DYSTROPHY 4 WITH VARIABLE FEATURES. Identifiers: Orphanet 261, MedGen C2751807, MONDO:0013071, OMIM 612998.
Autosomal recessive ataxia, Beauce type. Also called: Spinocerebellar ataxia, autosomal recessive 8; ATAXIA, RECESSIVE, OF BEAUCE; SYNE1-Related Autosomal Recessive Cerebellar Ataxia; SYNE1 Deficiency. Identifiers: Orphanet 88644, MedGen C1853116, MONDO:0012549, OMIM 610743.

Allele frequency attached by ClinVar (database versions not stated): ExAC 0.00002; gnomAD exomes 0.00002.

Submissions (2):

Labcorp Genetics (formerly Invitae), Labcorp
Classification: Uncertain significance for Emery-Dreifuss muscular dystrophy 4, autosomal dominant; Autosomal recessive ataxia, Beauce type. Last evaluated: 2024-10-01. Review status: criteria provided, single submitter. Criteria: Invitae Variant Classification Sherloc (09022015). Collection method: clinical testing. Allele origin: germline.
Comment: This sequence change replaces glycine, which is neutral and non-polar, with aspartic acid, which is acidic and polar, at codon 3941 of the SYNE1 protein (p.Gly3941Asp). This variant is present in population databases (rs745342797, gnomAD 0.03%). This variant has not been reported in the literature in individuals affected with SYNE1-related conditions. ClinVar contains an entry for this variant (Variation ID: 651799). An algorithm developed to predict the effect of missense changes on protein structure and function (PolyPhen-2) suggests that this variant is likely to be tolerated. In summary, the available evidence is currently insufficient to determine the role of this variant in disease. Therefore, it has been classified as a Variant of Uncertain Significance.

Revvity Omics, Revvity
Classification: Uncertain significance. Last evaluated: 2023-04-26. Review status: criteria provided, single submitter. Criteria: ACMG Guidelines, 2015. Collection method: clinical testing. Allele origin: germline.

NM_182961.4(SYNE1):c.12035G>A (p.Gly4012Asp)

Gene: SYNE1 (spectrin repeat containing nuclear envelope protein 1; minus strand). Cytogenetic location: 6q25.2.
Variant type: single nucleotide variant.
Coding change: c.12035G>A on transcript NM_182961.4 (MANE Select); coding-DNA position 12035, G replaced by A.
Protein change: p.Gly4012Asp; replaces glycine 4012 with aspartic acid.
Molecular consequence: missense variant.
Genome position (GRCh38, 1-based): chr6:152,347,102, C>T on the plus strand (G>A on the coding strand, the complement: SYNE1 is on the minus strand). VCF-style: chr6-152347102-C-T. GRCh37 (hg19) VCF-style: chr6-152668237-C-T.
Other names: c.11822G>A, p.Gly3941Asp (NM_033071.5); short protein forms G4012D, G3941D.
Identifiers: ClinVar variation 651799 (VCV000651799.10), dbSNP rs745342797, ClinGen allele CA4056525.